The following is an entry in ClinVar:

NM_014989.7(RIMS1):c.3064A>G (p.Met1022Val)

Gene: RIMS1 (regulating synaptic membrane exocytosis 1; plus strand). Cytogenetic location: 6q13.
Variant type: single nucleotide variant.
Coding change: c.3064A>G on transcript NM_014989.7 (MANE Select); coding-DNA position 3064, A replaced by G.
Protein change: p.Met1022Val; replaces methionine 1022 with valine.
Molecular consequence: missense variant. On other transcripts: intron variant (14).
Genome position (GRCh38, 1-based): chr6:72,260,715, A>G. VCF-style: chr6-72260715-A-G. GRCh37 (hg19) VCF-style: chr6-72970418-A-G.
Other names: c.1483A>G, p.Met495Val (NM_001168407.2, NM_001350415.2, NM_001350418.2 and 13 more transcripts); c.1486A>G, p.Met496Val (NM_001168408.2, NM_001350414.2, NM_001350416.2 and 10 more transcripts); c.1243A>G, p.Met415Val (NM_001168409.2, NM_001350464.2, NM_001350465.2 and 2 more transcripts); c.1441A>G, p.Met481Val (NM_001168410.2, NM_001350470.2, NM_001350473.2); c.1414A>G, p.Met472Val (NM_001350421.2, NM_001350430.2, NM_001350437.2 and 2 more transcripts); c.1417A>G, p.Met473Val (NM_001350424.2, NM_001350428.2, NM_001350459.2 and 1 more transcripts); c.1240A>G, p.Met414Val (NM_001350461.2, NM_001350463.2); c.1438A>G, p.Met480Val (NM_001350472.2); and 5 more; short protein forms M481V, M496V, M415V, M480V, M495V, M1022V, M414V, M472V.
Identifiers: ClinVar variation 1917597 (VCV001917597.5), dbSNP rs374624019, ClinGen allele CA3886122.

ClinVar aggregate classification (germline): Uncertain significance (1 of 4 stars; one submission).

Allele frequency attached by ClinVar (database versions not stated): gnomAD 0.00002; gnomAD exomes 0.00002; TOPMed 0.00002; ExAC 0.00003; ESP Exome Variant Server 0.00008.

Submission:

Labcorp Genetics (formerly Invitae), Labcorp
Classification: Uncertain significance. Last evaluated: 2025-10-27. Review status: criteria provided, single submitter. Criteria: Invitae Variant Classification Sherloc (09022015). Collection method: clinical testing. Allele origin: germline.
Comment: This sequence change replaces methionine, which is neutral and non-polar, with valine, which is neutral and non-polar, at codon 1022 of the RIMS1 protein (p.Met1022Val). This variant is present in population databases (rs374624019, gnomAD 0.007%). This variant has not been reported in the literature in individuals affected with RIMS1-related conditions. ClinVar contains an entry for this variant (Variation ID: 1917597). An algorithm developed to predict the effect of missense changes on protein structure and function (PolyPhen-2) suggests that this variant is likely to be disruptive. In summary, the available evidence is currently insufficient to determine the role of this variant in disease. Therefore, it has been classified as a Variant of Uncertain Significance.